The following is an entry in ClinVar:

NM_004370.6(COL12A1):c.4048C>A (p.Pro1350Thr)

Gene: COL12A1 (collagen type XII alpha 1 chain; minus strand). Cytogenetic location: 6q13.
Variant type: single nucleotide variant.
Coding change: c.4048C>A on transcript NM_004370.6 (MANE Select); coding-DNA position 4048, C replaced by A.
Protein change: p.Pro1350Thr; replaces proline 1350 with threonine.
Molecular consequence: missense variant.
Genome position (GRCh38, 1-based): chr6:75,151,240, G>T on the plus strand (C>A on the coding strand, the complement: COL12A1 is on the minus strand). VCF-style: chr6-75151240-G-T. GRCh37 (hg19) VCF-style: chr6-75860956-G-T.
Other names: c.4048C>A, p.Pro1350Thr (NM_001424113.1, NM_001424114.1); c.3775C>A, p.Pro1259Thr (NM_001424115.1); c.556C>A, p.Pro186Thr (NM_001424116.1, NM_080645.3); short protein forms P1259T, P186T, P1350T.
Identifiers: ClinVar variation 4792541 (VCV004792541.1).

ClinVar aggregate classification (germline): Uncertain significance (1 of 4 stars; one submission).

Conditions:
Ullrich congenital muscular dystrophy 2 (UCMD2). Identifiers: Orphanet 75840, MedGen C4225314, MONDO:0014654, OMIM 616470.
Bethlem myopathy 2 (BTHLM2). Identifiers: Orphanet 536516, Orphanet 610, MedGen C4225313, MONDO:0034022, OMIM 616471.

Submission:

Labcorp Genetics (formerly Invitae), Labcorp
Classification: Uncertain significance for Bethlem myopathy 2; Ullrich congenital muscular dystrophy 2. Last evaluated: 2025-10-21. Review status: criteria provided, single submitter. Criteria: Invitae Variant Classification Sherloc (09022015). Collection method: clinical testing. Allele origin: germline.
Comment: This sequence change replaces proline, which is neutral and non-polar, with threonine, which is neutral and polar, at codon 1350 of the COL12A1 protein (p.Pro1350Thr). This variant is not present in population databases (gnomAD no frequency). This variant has not been reported in the literature in individuals affected with COL12A1-related conditions. Invitae Evidence Modeling of protein sequence and biophysical properties (such as structural, functional, and spatial information, amino acid conservation, physicochemical variation, residue mobility, and thermodynamic stability) has been performed for this missense variant. However, the output from this modeling did not meet the statistical confidence thresholds required to predict the impact of this variant on COL12A1 protein function. In summary, the available evidence is currently insufficient to determine the role of this variant in disease. Therefore, it has been classified as a Variant of Uncertain Significance.